The following is an entry in ClinVar:

ClinVar aggregate classification (germline): Benign. Review status: criteria provided, multiple submitters, no conflicts (2 of 4 stars). 3 submissions from 3 submitters: Benign (2). 1 of the submissions does not count toward it. Last evaluated 2026-01-28.

Conditions:
Transferrin variant D(Chi).
Atransferrinemia. Also called: Familial hypotransferrinemia. Identifiers: Orphanet 1195, MedGen C0521802, MONDO:0008846, OMIM 209300, HP:0012239.

Allele frequency attached by ClinVar (database versions not stated): gnomAD 0.00248 and 0.00224; gnomAD exomes 0.00329 and 0.00106; ExAC 0.00274; TOPMed 0.00158; 1000 Genomes Project 0.00599; 1000 Genomes Project 30x 0.00609.
gnomAD v4.1: 1,974 of 1,614,206 alleles (0.12%); highest among the groups gnomAD compares: East Asian, 1.3%; 17 homozygotes.

Submissions (3):

Labcorp Genetics (formerly Invitae), Labcorp
Classification: Benign. Last evaluated: 2026-01-28. Review status: criteria provided, single submitter. Criteria: Invitae Variant Classification Sherloc (09022015). Collection method: clinical testing. Allele origin: germline.

Illumina Laboratory Services, Illumina
Classification: Benign for Atransferrinemia. Last evaluated: 2018-01-13. Review status: criteria provided, single submitter. Criteria: ICSL Variant Classification Criteria 13 December 2019. Collection method: clinical testing. Allele origin: germline.
Comment: This variant was observed in the ICSL laboratory as part of a predisposition screen in an ostensibly healthy population. It had not been previously curated by ICSL or reported in the Human Gene Mutation Database (HGMD: prior to June 1st, 2018), and was therefore a candidate for classification through an automated scoring system. Utilizing variant allele frequency, disease prevalence and penetrance estimates, and inheritance mode, an automated score was calculated to assess if this variant is too frequent to cause the disease. Based on the score and internal cut-off values, a variant classified as benign is not then subjected to further curation. The score for this variant resulted in a classification of benign for this disease.

OMIM
Classification: Pathogenic for TRANSFERRIN VARIANT D(CHI). Last evaluated: 1984-05-01. Review status: no assertion criteria provided. Collection method: literature only. Allele origin: germline. Not counted in ClinVar's aggregate classification.

Literature cited by the submitters: PubMed 6585826 (cited by OMIM); PubMed 5927288 (cited by OMIM).

NM_001063.4(TF):c.956A>G (p.His319Arg)

Gene: TF (transferrin; plus strand). Cytogenetic location: 3q22.1.
Variant type: single nucleotide variant.
Coding change: c.956A>G on transcript NM_001063.4 (MANE Select); coding-DNA position 956, A replaced by G.
Protein change: p.His319Arg; replaces histidine 319 with arginine.
Molecular consequence: missense variant.
Genome position (GRCh38, 1-based): chr3:133,757,854, A>G. VCF-style: chr3-133757854-A-G. GRCh37 (hg19) VCF-style: chr3-133476698-A-G.
Other names: H300R; transferrin variant D(Chi); c.824A>G, p.His275Arg (NM_001354703.2); c.575A>G, p.His192Arg (NM_001354704.2); short protein forms H319R, H192R, H275R.
Identifiers: ClinVar variation 12615 (VCV000012615.13), dbSNP rs41295774, ClinGen allele CA122559.